The following is an entry in ClinVar:

NM_002334.4(LRP4):c.5660C>G (p.Ser1887Cys)

Genes: LRP4-AS1 (LRP4 antisense RNA 1; plus strand), LRP4 (LDL receptor related protein 4; minus strand). Cytogenetic location: 11p11.2.
Variant type: single nucleotide variant.
Coding change: c.5660C>G on transcript NM_002334.4 (MANE Select); coding-DNA position 5660, C replaced by G.
Protein change: p.Ser1887Cys; replaces serine 1887 with cysteine.
Molecular consequence: missense variant.
Genome position (GRCh38, 1-based): chr11:46,859,041, G>C on the plus strand (C>G on the coding strand, the complement: LRP4 is on the minus strand). VCF-style: chr11-46859041-G-C. GRCh37 (hg19) VCF-style: chr11-46880592-G-C.
Other names: p.Ser1887Cys; short protein forms S1887C.
Identifiers: ClinVar variation 282957 (VCV000282957.30), dbSNP rs149082597, ClinGen allele CA5968969.
Genomic context (GRCh38, chr11:46,859,041, plus strand): 5'-ATTTAGACCTGGCTCTCTGAGGAGAGCTTGCGTTCATGTTTCCAGCCCGTGTCTGGCAGA[G>C]AGCCTCGTCTTTCTGGAGTGGCTGCAGTATGGACGCTGCTACACTCAGACTGCTCTTCCT-3'
Protein context (NP_002325.2, residues 1877-1897): HTAATPERRG[Ser1887Cys]LPDTGWKHER

ClinVar aggregate classification (germline): Conflicting classifications of pathogenicity. Review status: criteria provided, conflicting classifications (1 of 4 stars). 10 submissions from 10 submitters: Uncertain significance (4); Likely benign (2). 4 of the submissions do not count toward it. Last evaluated 2026-01-21.

Conditions:
LRP4-related disorder. Also called: LRP4-related condition.
Sclerosteosis 2 (SOST2). Identifiers: Orphanet 3152, MedGen C3280402, MONDO:0013679, OMIM 614305.
Congenital myasthenic syndrome 17. Identifiers: Orphanet 590, MedGen C4225377, MONDO:0014578, OMIM 616304.
Cenani-Lenz syndactyly syndrome. Also called: SYNDACTYLY, TYPE VII; CENANI SYNDACTYLISM. Identifiers: Orphanet 3258, MedGen C1859309, MONDO:0008931, OMIM 212780.
Meniere disease. Also called: Ménière's disease. Identifiers: MedGen C0025281, MONDO:0007972, OMIM 156000.

Allele frequency attached by ClinVar (database versions not stated): ExAC 0.00101; gnomAD exomes 0.00110; gnomAD 0.00111 and 0.00112; ESP Exome Variant Server 0.00115; 1000 Genomes Project 0.00120; TOPMed 0.00128; 1000 Genomes Project 30x 0.00156.
gnomAD v4.1: 2,281 of 1,614,172 alleles (0.14%); highest among the groups gnomAD compares: Non-Finnish European, 0.17%; 1 homozygote.

Submissions (10):

Labcorp Genetics (formerly Invitae), Labcorp
Classification: Likely benign for Cenani-Lenz syndactyly syndrome; Sclerosteosis 2; Congenital myasthenic syndrome 17. Last evaluated: 2026-01-21. Review status: criteria provided, single submitter. Criteria: Invitae Variant Classification Sherloc (09022015). Collection method: clinical testing. Allele origin: germline.

Mayo Clinic Laboratories, Mayo Clinic
Classification: Uncertain significance. Last evaluated: 2025-05-20. Review status: criteria provided, single submitter. Criteria: ACMG Guidelines, 2015. Collection method: clinical testing. Allele origin: germline. Observed: 1 variant allele.
Comment: BS1

Blueprint Genetics
Classification: Uncertain significance. Last evaluated: 2024-11-20. Review status: criteria provided, single submitter. Criteria: ACMG Guidelines, 2015. Collection method: clinical testing. Allele origin: germline.

Fulgent Genetics
Classification: Uncertain significance for Cenani-Lenz syndactyly syndrome; Sclerosteosis 2; Congenital myasthenic syndrome 17. Last evaluated: 2018-10-31. Review status: criteria provided, single submitter. Criteria: ACMG Guidelines, 2015. Collection method: clinical testing. Allele origin: unknown.

Illumina Laboratory Services, Illumina
Classification: Likely benign for Cenani-Lenz syndactyly syndrome. Last evaluated: 2017-04-27. Review status: criteria provided, single submitter. Criteria: ICSL Variant Classification Criteria 13 December 2019. Collection method: clinical testing. Allele origin: germline.
Comment: This variant was observed as part of a predisposition screen in an ostensibly healthy population. A literature search was performed for the gene, cDNA change, and amino acid change (where applicable). No publications were found based on this search. Allele frequency data from public databases allowed determination this variant is unlikely to cause disease. Therefore, this variant is classified as likely benign.

Eurofins Ntd Llc (ga)
Classification: Uncertain significance. Last evaluated: 2015-09-02. Review status: criteria provided, single submitter. Criteria: EGL Classification Definitions 2015. Collection method: clinical testing. Allele origin: germline. Observed: 1 variant allele, 1 heterozygote.

Center for Computational Biology & Bioinformatics, University of California, San Diego
Classification: Uncertain significance for Meniere disease. Last evaluated: 2024-06-03. Review status: no assertion criteria provided. Collection method: research. Allele origin: germline. Affected: yes. Not counted in ClinVar's aggregate classification.

PreventionGenetics, part of Exact Sciences
Classification: Likely benign for LRP4-related condition. Last evaluated: 2021-05-11. Review status: no assertion criteria provided. Collection method: clinical testing. Allele origin: germline. Not counted in ClinVar's aggregate classification.
Comment: This variant is classified as likely benign based on ACMG/AMP sequence variant interpretation guidelines (Richards et al. 2015 PMID: 25741868, with internal and published modifications).

Genome Diagnostics Laboratory, University Medical Center Utrecht
Classification: Likely benign. Review status: no assertion criteria provided. Collection method: clinical testing. Allele origin: germline. Affected: yes. Study: VKGL Data-share Consensus. Not counted in ClinVar's aggregate classification.

Laboratory of Diagnostic Genome Analysis, Leiden University Medical Center (LUMC)
Classification: Likely benign. Review status: no assertion criteria provided. Collection method: clinical testing. Allele origin: germline. Affected: yes. Study: VKGL Data-share Consensus. Not counted in ClinVar's aggregate classification.

Literature cited by the submitters: PubMed 29670578 (cited by Mayo Clinic Laboratories, Mayo Clinic); PubMed 35460704 (cited by Mayo Clinic Laboratories, Mayo Clinic).